The following is an entry in ClinVar:

NM_000295.5(SERPINA1):c.555G>A (p.Val185=)

Gene: SERPINA1 (serpin family A member 1; minus strand). Cytogenetic location: 14q32.13.
Variant type: single nucleotide variant.
Coding change: c.555G>A on transcript NM_000295.5 (MANE Select); coding-DNA position 555, G replaced by A.
Protein change: p.Val185=; no amino-acid change (valine 185 retained).
Molecular consequence: synonymous variant.
Genome position (GRCh38, 1-based): chr14:94,382,683, C>T on the plus strand (G>A on the coding strand, the complement: SERPINA1 is on the minus strand). VCF-style: chr14-94382683-C-T. GRCh37 (hg19) VCF-style: chr14-94849020-C-T.
Other names: c.555G>A, p.Val185= (NM_001002235.3, NM_001002236.3, NM_001127700.2 and 7 more transcripts); c.555G>A (NM_000295.4).
Identifiers: ClinVar variation 2037318 (VCV002037318.6), dbSNP rs1362069336, ClinGen allele CA487622021.
Genomic context (GRCh38, chr14:94,382,683, plus strand): 5'-AACTGTGTCTCTGTCAAGCTCCTTGACCAAATCCACAATTTTCCCTTGAGTACCCTTCTC[C>T]ACGTAATCGTTGATCTGTTTCTTGGCCTCTTCGGTGTCCCCGAAGTTGACAGTGAAGGCT-3'
Protein context (NP_000286.3, residues 175-195): EEAKKQINDY[Val185=]EKGTQGKIVD

ClinVar aggregate classification (germline): Likely benign. Review status: criteria provided, multiple submitters, no conflicts (2 of 4 stars). 3 submissions from 3 submitters: Likely benign (3). Last evaluated 2026-05-03.

Conditions:
Alpha-1-antitrypsin deficiency (A1ATD). Also called: AAT deficiency; A1AT deficiency; Alpha1-Antitrypsin Deficiency. Identifiers: Orphanet 60, MedGen C0221757, MONDO:0013282, OMIM 613490.
SERPINA1-related disorder. Also called: SerpinA1-related disorders; SERPINA1-related condition.

Allele frequency attached by ClinVar (database versions not stated): gnomAD exomes below 0.00001; TOPMed 0.00001.
gnomAD v4.1: 4 of 1,614,250 alleles (0.00025%); highest among the groups gnomAD compares: Non-Finnish European, 0.00034%; no homozygotes.

Submissions (3):

PreventionGenetics, part of Exact Sciences
Classification: Likely benign for SERPINA1-related condition. Last evaluated: 2026-05-03. Review status: criteria provided, single submitter. Criteria: ACMG Guidelines, 2015. Collection method: clinical testing. Allele origin: germline.
Comment: This variant is classified as likely benign based on ACMG/AMP sequence variant interpretation guidelines (Richards et al. 2015 PMID: 25741868, with internal and published modifications).

Blueprint Genetics
Classification: Likely benign. Last evaluated: 2022-12-20. Review status: criteria provided, single submitter. Criteria: ACMG Guidelines, 2015. Collection method: clinical testing. Allele origin: germline.

Labcorp Genetics (formerly Invitae), Labcorp
Classification: Likely benign for Alpha-1-antitrypsin deficiency. Last evaluated: 2022-02-28. Review status: criteria provided, single submitter. Criteria: Invitae Variant Classification Sherloc (09022015). Collection method: clinical testing. Allele origin: germline.